The following is an entry in ClinVar:

ClinVar aggregate classification (germline): Uncertain significance (1 of 4 stars; one submission).

Submission:

Labcorp Genetics (formerly Invitae), Labcorp
Classification: Uncertain significance. Last evaluated: 2024-03-01. Review status: criteria provided, single submitter. Criteria: Invitae Variant Classification Sherloc (09022015). Collection method: clinical testing. Allele origin: germline.
Comment: This sequence change replaces proline, which is neutral and non-polar, with leucine, which is neutral and non-polar, at codon 631 of the KMT2B protein (p.Pro631Leu). The frequency data for this variant in the population databases is considered unreliable, as metrics indicate poor data quality at this position in the gnomAD database. This variant has not been reported in the literature in individuals affected with KMT2B-related conditions. Advanced modeling of protein sequence and biophysical properties (such as structural, functional, and spatial information, amino acid conservation, physicochemical variation, residue mobility, and thermodynamic stability) performed at Invitae indicates that this missense variant is not expected to disrupt KMT2B protein function with a negative predictive value of 80%. In summary, the available evidence is currently insufficient to determine the role of this variant in disease. Therefore, it has been classified as a Variant of Uncertain Significance.

NM_014727.3(KMT2B):c.1892C>T (p.Pro631Leu)

Gene: KMT2B (lysine methyltransferase 2B; plus strand). Cytogenetic location: 19q13.12.
Variant type: single nucleotide variant.
Coding change: c.1892C>T on transcript NM_014727.3 (MANE Select); coding-DNA position 1892, C replaced by T.
Protein change: p.Pro631Leu; replaces proline 631 with leucine.
Molecular consequence: missense variant.
Genome position (GRCh38, 1-based): chr19:35,721,239, C>T. VCF-style: chr19-35721239-C-T. GRCh37 (hg19) VCF-style: chr19-36212141-C-T.
Other names: short protein forms P631L.
Identifiers: ClinVar variation 3616456 (VCV003616456.2).